The following is an entry in ClinVar:

NM_001349798.2(FBXW7):c.17T>C (p.Leu6Pro)

Gene: FBXW7 (F-box and WD repeat domain containing 7; minus strand). Cytogenetic location: 4q31.3.
Variant type: single nucleotide variant.
Coding change: c.17T>C on transcript NM_001349798.2 (MANE Select); coding-DNA position 17, T replaced by C.
Protein change: p.Leu6Pro; replaces leucine 6 with proline.
Molecular consequence: missense variant.
Genome position (GRCh38, 1-based): chr4:152,411,787, A>G on the plus strand (T>C on the coding strand, the complement: FBXW7 is on the minus strand). VCF-style: chr4-152411787-A-G. GRCh37 (hg19) VCF-style: chr4-153332939-A-G.
Other names: c.17T>C, p.Leu6Pro (NM_001257069.1, NM_033632.3); short protein forms L6P.
Identifiers: ClinVar variation 2266661 (VCV002266661.4), dbSNP rs139074724, ClinGen allele CA3106584.

ClinVar aggregate classification (germline): Uncertain significance. Review status: criteria provided, multiple submitters, no conflicts (2 of 4 stars). 2 submissions from 2 submitters: Uncertain significance (2). Last evaluated 2024-09-25.

Conditions:
Inborn genetic diseases. Identifiers: MedGen C0950123, MeSH D030342.

Allele frequency attached by ClinVar (database versions not stated): gnomAD 0.00001; TOPMed 0.00002; ExAC 0.00003; gnomAD exomes 0.00004; ESP Exome Variant Server 0.00008.
gnomAD v4.1: 61 of 1,610,752 alleles (0.0038%); highest among the groups gnomAD compares: Non-Finnish European, 0.0052%; no homozygotes.

Submissions (2):

Labcorp Genetics (formerly Invitae), Labcorp
Classification: Uncertain significance. Last evaluated: 2024-09-25. Review status: criteria provided, single submitter. Criteria: Invitae Variant Classification Sherloc (09022015). Collection method: clinical testing. Allele origin: germline.
Comment: This sequence change replaces leucine, which is neutral and non-polar, with proline, which is neutral and non-polar, at codon 6 of the FBXW7 protein (p.Leu6Pro). This variant is present in population databases (rs139074724, gnomAD 0.006%). This variant has not been reported in the literature in individuals affected with FBXW7-related conditions. ClinVar contains an entry for this variant (Variation ID: 2266661). Experimental studies and prediction algorithms are not available or were not evaluated, and the functional significance of this variant is currently unknown. In summary, the available evidence is currently insufficient to determine the role of this variant in disease. Therefore, it has been classified as a Variant of Uncertain Significance.

Ambry Genetics
Classification: Uncertain significance for Inborn genetic diseases. Last evaluated: 2022-04-25. Review status: criteria provided, single submitter. Criteria: Ambry Variant Classification Scheme 2023. Collection method: clinical testing. Allele origin: germline.